The following is an entry in ClinVar:

NM_014141.6(CNTNAP2):c.3738T>A (p.Asn1246Lys)

Gene: CNTNAP2 (contactin associated protein 2; plus strand). Cytogenetic location: 7q36.1.
Variant type: single nucleotide variant.
Coding change: c.3738T>A on transcript NM_014141.6 (MANE Select); coding-DNA position 3738, T replaced by A.
Protein change: p.Asn1246Lys; replaces asparagine 1246 with lysine.
Molecular consequence: missense variant.
Genome position (GRCh38, 1-based): chr7:148,409,413, T>A. VCF-style: chr7-148409413-T-A. GRCh37 (hg19) VCF-style: chr7-148106505-T-A.
Other names: short protein forms N1246K.
Identifiers: ClinVar variation 1734444 (VCV001734444.2), dbSNP rs763106283, ClinGen allele CA369706510.

ClinVar aggregate classification (germline): Uncertain significance (1 of 4 stars; one submission).

Conditions:
Inborn genetic diseases. Identifiers: MedGen C0950123, MeSH D030342.

gnomAD v4.1: 1 of 1,613,614 alleles (0.000062%); highest among the groups gnomAD compares: Admixed American, 0.0017%; no homozygotes.

Submission:

Ambry Genetics
Classification: Uncertain significance for Inborn genetic diseases. Last evaluated: 2019-09-26. Review status: criteria provided, single submitter. Criteria: Ambry Variant Classification Scheme 2023. Collection method: clinical testing. Allele origin: germline.
Comment: The p.N1246K variant (also known as c.3738T>A), located in coding exon 23 of the CNTNAP2 gene, results from a T to A substitution at nucleotide position 3738. The asparagine at codon 1246 is replaced by lysine, an amino acid with similar properties. This amino acid position is highly conserved in available vertebrate species. In addition, this alteration is predicted to be tolerated by in silico analysis. Since supporting evidence is limited at this time, the clinical significance of this alteration remains unclear.